The following is an entry in ClinVar:

NM_000535.7(PMS2):c.2523G>A (p.Trp841Ter)

Gene: PMS2 (PMS1 homolog 2, mismatch repair system component; minus strand). Cytogenetic location: 7p22.1.
Variant type: single nucleotide variant.
Coding change: c.2523G>A on transcript NM_000535.7 (MANE Select); coding-DNA position 2523, G replaced by A.
Protein change: p.Trp841Ter; replaces tryptophan 841 with a stop codon.
Molecular consequence: nonsense. On other transcripts: non-coding transcript variant (1).
Genome position (GRCh38, 1-based): chr7:5,973,465, C>T on the plus strand (G>A on the coding strand, the complement: PMS2 is on the minus strand). VCF-style: chr7-5973465-C-T. GRCh37 (hg19) VCF-style: chr7-6013096-C-T.
Other names: c.2118G>A, p.Trp706Ter (NM_001322003.2, NM_001322004.2, NM_001322005.2); c.2367G>A, p.Trp789Ter (NM_001322006.2); c.2205G>A, p.Trp735Ter (NM_001322007.2, NM_001322008.2); c.2151G>A, p.Trp717Ter (NM_001322009.2); c.1962G>A, p.Trp654Ter (NM_001322010.2); c.1590G>A, p.Trp530Ter (NM_001322011.2, NM_001322012.2); c.1950G>A, p.Trp650Ter (NM_001322013.2); c.2556G>A, p.Trp852Ter (NM_001322014.2); and 1 more; short protein forms W841*, W530*, W654*, W717*, W650*, W706*, W738*, W789*.
Identifiers: ClinVar variation 127786 (VCV000127786.28), dbSNP rs587780057, ClinGen allele CA048801.

ClinVar aggregate classification (germline): Conflicting classifications of pathogenicity. Review status: criteria provided, conflicting classifications (1 of 4 stars). 9 submissions from 9 submitters: Pathogenic (3); Likely pathogenic (2); Uncertain significance (4). Last evaluated 2026-06-29.

Conditions:
PMS2-related disorder. Also called: PMS2-related condition.
Hereditary nonpolyposis colon cancer (HNPCC). Also called: Hereditary nonpolyposis colorectal cancer; Familial nonpolyposis colon cancer; Hereditary Nonpolyposis Colorectal Cancer Syndrome. Identifiers: Orphanet 443909, MedGen C1333990, MONDO:0018630. Disease mechanism: loss of function.
Hereditary cancer-predisposing syndrome. Also called: Neoplastic Syndromes, Hereditary; Tumor predisposition; Hereditary Cancer Syndrome; Hereditary neoplastic syndrome. Identifiers: Orphanet 140162, MedGen C0027672, MeSH D009386, MONDO:0015356.
Lynch syndrome 4 (LYNCH4). Also called: Colorectal cancer, hereditary nonpolyposis, type 4; Hereditary non-polyposis colorectal cancer, type 4. Identifiers: Orphanet 144, MedGen C1838333, MONDO:0013699, OMIM 614337. Disease mechanism: loss of function.

Allele frequency attached by ClinVar (database versions not stated): gnomAD exomes 0.00039; ExAC 0.00092; 1000 Genomes Project 30x 0.00172; gnomAD 0.00174.

Submissions (9):

Institute for Biomarker Research, Medical Diagnostic Laboratories, L.L.C.
Classification: Uncertain significance for Hereditary cancer-predisposing syndrome. Last evaluated: 2026-06-29. Review status: criteria provided, single submitter. Criteria: ACMG Guidelines, 2015. Collection method: clinical testing. Allele origin: germline.
Comment: The stop gained NM_000535.7(PMS2):c.2523G>A (p.Trp841Ter) has been reported to ClinVar as Conflicting classifications of pathogenicity with a status of (1 stars) criteria provided, conflicting classifications (Accession: VCV000127786.24). The p.Trp841Ter variant is observed in 65/10,804 (0.6016%) alleles from individuals of gnomAD African background in gnomAD All, which is greater than expected for the disorder. This variant is predicted to cause loss of normal protein function through protein truncation. This variant has been previously classified as pathogenic, indicating that the region is critical to protein function. This indicates that the region is critical to protein function. The p.Trp841Ter variant is a loss of function variant in the gene PMS2, which is intolerant of Loss of Function variants, as indicated by the presence of existing pathogenic loss of function variant NP_000526.2:p.M1L and 719 others. For these reasons, this variant has been classified as Uncertain Significance.

PreventionGenetics, part of Exact Sciences
Classification: Pathogenic for PMS2-related condition. Last evaluated: 2026-06-26. Review status: criteria provided, single submitter. Criteria: ACMG Guidelines, 2015. Collection method: clinical testing. Allele origin: germline.
Comment: The PMS2 c.2523G>A variant is predicted to result in premature protein termination (p.Trp841*). This variant was reported in multiple breast and ovarian cancer cohort studies (Castéra et al. 2014. PubMed ID: 24549055; Supplementary Data 2, Lu et al. 2015. PubMed ID: 26689913; Fostira et al. 2018. PubMed ID: 29335925; Guindalini et al. 2022. PubMed ID: 35264596). This variant resides in the final exon of this gene and would result in the truncation of the last 22 amino acids of the protein. Functional studies on another protein truncation variant identified in a patient (c.2521del (p.Trp841fs)) showed that truncation of these amino acids negatively impacts protein function (Bodo et al. 2015. PubMed ID: 26116798). This variant is reported in 0.64% of alleles in individuals of African descent in gnomAD; however, this variant falls within a highly paralogous region and therefore allele frequency data should be interpreted with caution. This variant is interpreted as uncertain or pathogenic in ClinVar (Variation ID: 127786). This variant is interpreted as pathogenic.

Dasa
Classification: Uncertain significance. Last evaluated: 2025-12-10. Review status: criteria provided, single submitter. Criteria: DASA Assertion Criteria. Collection method: clinical testing. Allele origin: germline.
Comment: NM_000535.7(PMS2):c.2523G>A (p.Trp841Ter) is a nonsense variant in PMS2 predicted to introduce a premature termination codon and is predicted to result in an absent or altered protein product. Loss of function is an established disease mechanism for PMS2 (PMID: 18602922; PMID: 16619239). Also, this variant is rare in population databases. The currently available literature and clinical evidence are not sufficient to establish a definitive association between this variant and the reported condition. Therefore, this variant is classified as a variant of uncertain significance.

Women's Health and Genetics/Laboratory Corporation of America, LabCorp
Classification: Likely pathogenic for Hereditary nonpolyposis colon cancer. Last evaluated: 2025-09-29. Review status: criteria provided, single submitter. Criteria: LabCorp Variant Classification Summary - May 2015. Collection method: clinical testing. Allele origin: germline.
Comment: Variant summary: PMS2 c.2523G>A (p.Trp841X) results in a premature termination codon in the last exon of the PMS2 mRNA, which raises the possibility of it escaping nonsense mediated decay and causing a truncation of the last 22 amino acids of the PMS2 protein, which might affect the MLH1 dimerization domain (PMID 10037723). This region also contains conserved residues that are predicted to be functionally important for metal ion binding, and appear required for normal MMR activity in mutation assays (PMID 18619468). Additionally, other variants downstream have been classified on the pathogenic spectrum internally and in ClinVar. The c.2523G>A (p.Trp841X) allele was found at a frequency of 0.00039 in 180738 control chromosomes, predominantly at a frequency of 0.006 within the African or African-American subpopulation in the gnomAD database, including 3 homozygotes. However, the region is highly homologous to PMS2 pseudogenes, and the technology utilized for this dataset does not rule out pseudogene interference, therefore these data might not be reliable for assessing variant frequency. c.2523G>A has been reported in the literature in individuals affected with HBOC and other tumor phenotypes (e.g. Castera_2014, Lu_2015, Fostira_2018, Guindalini_2022). To our knowledge, no experimental evidence demonstrating an impact on protein function has been reported. Of note however, in functional studies performed on lymphoblastoid cell lines (LCLs) derived from a patient carrying a similar truncating variant (c.2521delT (p.Trp841GlyfsX10)) in homozygosity, MSI (microsatellite instability) and tolerance to methylating agents could be demonstrated (PMID: 26116798). These results suggest that truncation of the last 22 amino acids might have functional importance. The following publications have been ascertained in the context of this evaluation (PMID: 24549055, 26689913, 29335925, 35264596, 39669620). ClinVar contains an entry for this variant (Variation ID: 127786). Based on the evidence outlined above, the variant was classified as likely pathogenic.

Quest Diagnostics Nichols Institute San Juan Capistrano
Classification: Likely pathogenic. Last evaluated: 2025-07-09. Review status: criteria provided, single submitter. Criteria: Quest Diagnostics criteria. Collection method: clinical testing. Allele origin: unknown.
Comment: The PMS2 c.2523G>A (p.Trp841*) variant is predicted to cause the premature termination of PMS2 protein synthesis. As a result it prevents the inclusion of the C-terminal domain, which has been demonstrated to be critical for PMS2 protein activity (PMID: 20533529 (2010), 16338176 (2006), 10037723 (1993)). The frequency of this variant in the general population (Genome Aggregation Database) is consistent with pathogenicity. Based on the available information, this variant is classified as likely pathogenic.

Myriad Genetics, Inc.
Classification: Pathogenic for Lynch syndrome 4. Last evaluated: 2023-09-25. Review status: criteria provided, single submitter. Criteria: Myriad Autosomal Dominant, Autosomal Recessive and X-Linked Classification Criteria (2023). Collection method: clinical testing. Allele origin: unknown.
Comment: This variant is considered pathogenic. This variant creates a termination codon and is predicted to result in premature protein truncation.

Ambry Genetics
Classification: Pathogenic for Hereditary cancer-predisposing syndrome. Last evaluated: 2023-04-11. Review status: criteria provided, single submitter. Criteria: Ambry Variant Classification Scheme 2023. Collection method: clinical testing. Allele origin: germline.
Comment: The p.W841* pathogenic mutation (also known as c.2523G>A), located in coding exon 15 of the PMS2 gene, results from a G to A substitution at nucleotide position 2523. This changes the amino acid from a tryptophan to a stop codon within coding exon 15. This alteration occurs at the 3' terminus of PMS2 gene, is not expected to trigger nonsense-mediated mRNA decay, and only impacts the last 22 amino acids of the protein. However, premature stop codons are typically deleterious in nature and the impacted region is critical for protein function (Ambry internal data; Kosinski J et al. J. Mol. Biol., 2008 Oct;382:610-27). Another truncating pathogenic mutation located downstream from this alteration, p.W841Gfs*10, has also been identified in several individuals whose colorectal tumors demonstrated isolated loss of PMS2 expression on immunohistochemistry (IHC) (Ambry internal data). Based on the supporting evidence, this alteration is interpreted as a disease-causing mutation.

Sema4
Classification: Uncertain significance for Hereditary cancer-predisposing syndrome. Last evaluated: 2021-08-27. Review status: criteria provided, single submitter. Criteria: Sema4 Curation Guidelines. Collection method: curation. Allele origin: germline.
Comment: The PMS2 c.2523G>A (p.W841X) variant has been reported in heterozygosity in at least 4 individuals with breast cancer, Cowden-like syndrome, or glioma (PMID: 24549055, 26689913, 29335925, 29684080). It was also identified in an individual undergoing genetic testing but was not reported by authors due to the relatively high population frequency of the variant (PMID: 30122538). As this variant is not predicted to cause nonsense-mediated decay, the protein is expected to be truncated. This variant was observed in 91/14212 chromosomes in the African population, with 3 homozygotes, according to the Genome Aggregation Database. However, the frequency may not be reliable due to PMS2 pseudogene interference. The variant has been reported in ClinVar (Variation ID: 127786). The overall evidence is inconsistent with ACMG/AMP requirements for a classification of benign or pathogenic. In summary, the clinical significance of this variant is currently uncertain.

Mendelics
Classification: Uncertain significance for Lynch syndrome 4. Last evaluated: 2019-05-28. Review status: criteria provided, single submitter. Criteria: Mendelics Assertion Criteria 2017. Collection method: clinical testing. Allele origin: unknown.

Literature cited by the submitters: PubMed 35264596 (cited by 3 submitters); PubMed 24549055 (cited by 5 submitters); PubMed 29335925 (cited by 5 submitters); PubMed 30192042 (cited by Dasa); PubMed 30122538 (cited by Dasa and Sema4); PubMed 29684080 (cited by Dasa and Sema4); PubMed 26689913 (cited by 4 submitters); PubMed 18619468 (cited by Dasa and Ambry Genetics); PubMed 18602922 (cited by Dasa); PubMed 16619239 (cited by Dasa); PubMed 39669620 (cited by Women's Health and Genetics/Laboratory Corporation of America, LabCorp).